The following is an entry in ClinVar:

ClinVar aggregate classification (germline): Uncertain significance (1 of 4 stars; one submission).

Submission:

Labcorp Genetics (formerly Invitae), Labcorp
Classification: Uncertain significance. Last evaluated: 2025-09-08. Review status: criteria provided, single submitter. Criteria: Invitae Variant Classification Sherloc (09022015). Collection method: clinical testing. Allele origin: germline.
Comment: This sequence change replaces threonine, which is neutral and polar, with isoleucine, which is neutral and non-polar, at codon 95 of the PSENEN protein (p.Thr95Ile). This variant is not present in population databases (gnomAD no frequency). This variant has not been reported in the literature in individuals affected with PSENEN-related conditions. An algorithm developed to predict the effect of missense changes on protein structure and function (PolyPhen-2) suggests that this variant is likely to be tolerated. In summary, the available evidence is currently insufficient to determine the role of this variant in disease. Therefore, it has been classified as a Variant of Uncertain Significance.

NM_172341.4(PSENEN):c.284C>T (p.Thr95Ile)

Gene: PSENEN (presenilin enhancer, gamma-secretase subunit; plus strand). Cytogenetic location: 19q13.12.
Variant type: single nucleotide variant.
Coding change: c.284C>T on transcript NM_172341.4 (MANE Select); coding-DNA position 284, C replaced by T.
Protein change: p.Thr95Ile; replaces threonine 95 with isoleucine.
Molecular consequence: missense variant.
Genome position (GRCh38, 1-based): chr19:35,746,825, C>T. VCF-style: chr19-35746825-C-T. GRCh37 (hg19) VCF-style: chr19-36237726-C-T.
Other names: c.284C>T, p.Thr95Ile (NM_001281532.3); short protein forms T95I.
Identifiers: ClinVar variation 4774557 (VCV004774557.1).